The following is an entry in ClinVar:

NM_001127222.2(CACNA1A):c.4526TCA[2] (p.Ile1511del)

Gene: CACNA1A (calcium voltage-gated channel subunit alpha1 A; minus strand). Cytogenetic location: 19p13.13.
Variant type: Microsatellite.
Coding change: c.4526TCA[2] on transcript NM_001127222.2 (MANE Select); two copies in a row of the 3-base unit TCA starting at c.4526; the reference has three copies in a row; one copy, 3 bases deleted.
Protein change: p.Ile1511del; deletes isoleucine 1511.
Molecular consequence: inframe deletion.
Genome position (GRCh38, 1-based): chr19:13,257,406-13,257,408, TGA deleted on the plus strand (TCA on the coding strand, the reverse complement: CACNA1A is on the minus strand); deleting any 3 consecutive bases within chr19:13,257,406-13,257,415 gives the same sequence; the position shown is the placement nearest the transcript's 3' end. VCF-style (leftmost placement, unchanged base first): chr19-13257405-GTGA-G. GRCh37 (hg19) VCF-style: chr19-13368219-GTGA-G.
Other names: c.4538TCA[2], p.Ile1515del (NM_000068.4, NM_023035.3); c.4529TCA[2], p.Ile1512del (NM_001127221.2, NM_001174080.2); short protein forms I1512del, I1515del, I1511del.
Identifiers: ClinVar variation 2926210 (VCV002926210.3), dbSNP rs2512740845, ClinGen allele CA2740091933.
Genomic context (GRCh38, chr19:13,257,405, plus strand): 5'-GGCACCTCATTTTTCTCCAGGCTGTATTCCTCCATCATCTTGTCCCCTTGCTCCTGGAAG[GTGA>G]TGATGATCAAGGCCACAAAGATATTGACAAAGAAGAAGGGGAACACCACAAAGTAGACGA-3'

ClinVar aggregate classification (germline): Uncertain significance (1 of 4 stars; one submission).

Conditions:
Developmental and epileptic encephalopathy, 42 (DEE42A). Also called: DEVELOPMENTAL AND EPILEPTIC ENCEPHALOPATHY 42A; EPILEPTIC ENCEPHALOPATHY, EARLY INFANTILE, 42A; Epileptic encephalopathy, early infantile, 42. Identifiers: MedGen C4310716, MONDO:0014917, OMIM 617106.
Episodic ataxia type 2 (EA2). Also called: ACETAZOLAMIDE-RESPONSIVE HEREDITARY PAROXYSMAL CEREBELLAR ATAXIA; ATAXIA, EPISODIC, WITH NYSTAGMUS; ATAXIA, FAMILIAL PAROXYSMAL; CEREBELLAR ATAXIA, PAROXYSMAL, ACETAZOLAMIDE-RESPONSIVE; CEREBELLOPATHY, HEREDITARY PAROXYSMAL; EPISODIC ATAXIA, NYSTAGMUS-ASSOCIATED. Identifiers: Orphanet 97, MedGen C1720416, MONDO:0007163, OMIM 108500.

Submission:

Labcorp Genetics (formerly Invitae), Labcorp
Classification: Uncertain significance for Developmental and epileptic encephalopathy, 42; Episodic ataxia type 2. Last evaluated: 2023-09-22. Review status: criteria provided, single submitter. Criteria: Invitae Variant Classification Sherloc (09022015). Collection method: clinical testing. Allele origin: germline.
Comment: In summary, the available evidence is currently insufficient to determine the role of this variant in disease. Therefore, it has been classified as a Variant of Uncertain Significance. This variant has not been reported in the literature in individuals affected with CACNA1A-related conditions. This variant is not present in population databases (gnomAD no frequency). This variant, c.4535_4537del, results in the deletion of 1 amino acid(s) of the CACNA1A protein (p.Ile1512del), but otherwise preserves the integrity of the reading frame.